The following is an entry in ClinVar:

ClinVar aggregate classification (germline): Uncertain significance (1 of 4 stars; one submission).

Conditions:
Optic atrophy 3 (OPA3). Also called: OPTIC ATROPHY 3, AUTOSOMAL DOMINANT; Optic atrophy, cataract, and neurologic disorder; Optic atrophy 3 with cataract. Identifiers: Orphanet 67036, MedGen C1833809, MONDO:0008133, OMIM 165300.
3-Methylglutaconic aciduria type 3 (MGCA3). Also called: OPA3, AUTOSOMAL RECESSIVE; OPTIC ATROPHY 3, AUTOSOMAL RECESSIVE; Costeff Syndrome; OPA3-Related 3-Methylglutaconic Aciduria. Identifiers: Orphanet 67047, MedGen C0574084, MONDO:0009787, OMIM 258501.

Allele frequency attached by ClinVar (database versions not stated): gnomAD exomes below 0.00001 and 0.00001; ExAC 0.00001; TOPMed 0.00001.
gnomAD v4.1: 5 of 1,611,160 alleles (0.00031%); highest among the groups gnomAD compares: East Asian, 0.0045%; no homozygotes.

Submission:

Labcorp Genetics (formerly Invitae), Labcorp
Classification: Uncertain significance for 3-Methylglutaconic aciduria type 3; Optic atrophy 3. Last evaluated: 2022-08-10. Review status: criteria provided, single submitter. Criteria: Invitae Variant Classification Sherloc (09022015). Collection method: clinical testing. Allele origin: germline.
Comment: This sequence change replaces alanine, which is neutral and non-polar, with valine, which is neutral and non-polar, at codon 106 of the OPA3 protein (p.Ala106Val). This variant is present in population databases (rs764633370, gnomAD 0.0009%). This variant has not been reported in the literature in individuals affected with OPA3-related conditions. ClinVar contains an entry for this variant (Variation ID: 1500236). Algorithms developed to predict the effect of missense changes on protein structure and function (SIFT, PolyPhen-2, Align-GVGD) all suggest that this variant is likely to be tolerated. Algorithms developed to predict the effect of sequence changes on RNA splicing suggest that this variant may create or strengthen a splice site. In summary, the available evidence is currently insufficient to determine the role of this variant in disease. Therefore, it has been classified as a Variant of Uncertain Significance.

NM_025136.4(OPA3):c.317C>T (p.Ala106Val)

Genes: OPA3 (outer mitochondrial membrane lipid metabolism regulator OPA3; minus strand), OPA3-RTN2 (OPA3-RTN2 readthrough; minus strand). Cytogenetic location: 19q13.32.
Variant type: single nucleotide variant.
Coding change: c.317C>T on transcript NM_025136.4 (MANE Select); coding-DNA position 317, C replaced by T.
Protein change: p.Ala106Val; replaces alanine 106 with valine.
Molecular consequence: missense variant. On other transcripts: intron variant (1).
Genome position (GRCh38, 1-based): chr19:45,553,737, G>A on the plus strand (C>T on the coding strand, the complement: OPA3 is on the minus strand). VCF-style: chr19-45553737-G-A. GRCh37 (hg19) VCF-style: chr19-46056995-G-A.
Other names: c.143-24281C>T (NM_001017989.3); short protein forms A106V.
Identifiers: ClinVar variation 1500236 (VCV001500236.3), dbSNP rs764633370, ClinGen allele CA9517418.